The following is an entry in ClinVar:

NM_015909.4(NBAS):c.6147-2A>G

Gene: NBAS (NBAS subunit of NRZ tethering complex; minus strand). Cytogenetic location: 2p24.3.
Variant type: single nucleotide variant.
Coding change: c.6147-2A>G on transcript NM_015909.4 (MANE Select); the canonical splice acceptor site of the intron before coding-DNA position 6147, A replaced by G.
Molecular consequence: splice acceptor variant.
Genome position (GRCh38, 1-based): chr2:15,232,513, T>C on the plus strand (A>G on the coding strand, the complement: NBAS is on the minus strand). VCF-style: chr2-15232513-T-C. GRCh37 (hg19) VCF-style: chr2-15372637-T-C.
Identifiers: ClinVar variation 432098 (VCV000432098.2), dbSNP rs1553348090, ClinGen allele CA345887654.

ClinVar aggregate classification (germline): Likely pathogenic (1 of 4 stars; one submission).

Submission:

GeneDx
Classification: Likely pathogenic. Last evaluated: 2016-02-28. Review status: criteria provided, single submitter. Criteria: GeneDx Variant Classification (06012015). Collection method: clinical testing. Allele origin: germline. Affected: yes.
Comment: The c.6147-2A>G variant in the NBAS gene has not been reported previously as a pathogenic variant nor as a benign variant, to our knowledge. This splice site variant destroys the canonical splice acceptor site in intron 47. It is predicted to cause abnormal gene splicing, either leading to an abnormal message that is subject to nonsense-mediated mRNA decay, or to an abnormal protein product if the message is used for protein translation. The c.6147-2A>G variant was not observed in approximately 6500 individuals of European and African American ancestry in the NHLBI Exome Sequencing Project, indicating it is not a common benign variant in these populations. We interpret c.6147-2A>G as a likely pathogenic variant.